The following is an entry in ClinVar:

ClinVar aggregate classification (germline): Likely benign (1 of 4 stars; one submission).

gnomAD v4.1: 1 of 1,612,546 alleles (0.000062%); highest among the groups gnomAD compares: Non-Finnish European, 0.000085%; no homozygotes.

Submission:

CeGaT Center for Human Genetics Tuebingen
Classification: Likely benign. Last evaluated: 2025-07-01. Review status: criteria provided, single submitter. Criteria: CeGaT Center For Human Genetics Tuebingen Variant Classification Criteria Version 2. Collection method: clinical testing. Allele origin: germline. Affected: yes. Observed: 1 variant allele.
Comment: DCP1B: BP4, BP7

NM_152640.5(DCP1B):c.319+59A>G

Genes: CACNA1C (calcium voltage-gated channel subunit alpha1 C; plus strand), DCP1B (decapping mRNA 1B; minus strand). Cytogenetic location: 12p13.33.
Variant type: single nucleotide variant.
Coding change: c.319+59A>G on transcript NM_152640.5 (MANE Select); 59 bases into the intron after coding-DNA position 319, A replaced by G.
Molecular consequence: intron variant. On other transcripts: synonymous variant (1).
Genome position (GRCh38, 1-based): chr12:1,993,205, T>C on the plus strand (A>G on the coding strand, the complement: DCP1B is on the minus strand). VCF-style: chr12-1993205-T-C. GRCh37 (hg19) VCF-style: chr12-2102371-T-C.
Other names: c.378A>G, p.Lys126= (NM_001319292.2).
Identifiers: ClinVar variation 4085545 (VCV004085545.8).